The following is an entry in ClinVar:

NM_002691.4(POLD1):c.383T>C (p.Phe128Ser)

Gene: POLD1 (DNA polymerase delta 1, catalytic subunit; plus strand). Cytogenetic location: 19q13.33.
Variant type: single nucleotide variant.
Coding change: c.383T>C on transcript NM_002691.4 (MANE Select); coding-DNA position 383, T replaced by C.
Protein change: p.Phe128Ser; replaces phenylalanine 128 with serine.
Molecular consequence: missense variant. On other transcripts: non-coding transcript variant (1).
Genome position (GRCh38, 1-based): chr19:50,401,844, T>C. VCF-style: chr19-50401844-T-C. GRCh37 (hg19) VCF-style: chr19-50905101-T-C.
Other names: c.383T>C, p.Phe128Ser (NM_001256849.1, NM_001308632.1); short protein forms F128S.
Identifiers: ClinVar variation 1735427 (VCV001735427.2), dbSNP rs2513955746, ClinGen allele CA406972356.

ClinVar aggregate classification (germline): Uncertain significance (1 of 4 stars; one submission).

Conditions:
Hereditary cancer-predisposing syndrome. Also called: Neoplastic Syndromes, Hereditary; Tumor predisposition; Hereditary Cancer Syndrome; Hereditary neoplastic syndrome. Identifiers: Orphanet 140162, MedGen C0027672, MeSH D009386, MONDO:0015356.

Submission:

Ambry Genetics
Classification: Uncertain significance for Hereditary cancer-predisposing syndrome. Last evaluated: 2022-08-09. Review status: criteria provided, single submitter. Criteria: Ambry Variant Classification Scheme 2023. Collection method: clinical testing. Allele origin: germline.
Comment: The p.F128S variant (also known as c.383T>C), located in coding exon 3 of the POLD1 gene, results from a T to C substitution at nucleotide position 383. The phenylalanine at codon 128 is replaced by serine, an amino acid with highly dissimilar properties. This amino acid position is conserved. In addition, the in silico prediction for this alteration is inconclusive. Since supporting evidence is limited at this time, the clinical significance of this alteration remains unclear.